The following is an entry in ClinVar:

NM_000038.6(APC):c.4515C>A (p.Ser1505Arg)

Gene: APC (APC regulator of Wnt signaling pathway; plus strand). Cytogenetic location: 5q22.2.
Variant type: single nucleotide variant.
Coding change: c.4515C>A on transcript NM_000038.6 (MANE Select); coding-DNA position 4515, C replaced by A.
Protein change: p.Ser1505Arg; replaces serine 1505 with arginine.
Molecular consequence: missense variant. On other transcripts: non-coding transcript variant (2).
Genome position (GRCh38, 1-based): chr5:112,840,109, C>A. VCF-style: chr5-112840109-C-A. GRCh37 (hg19) VCF-style: chr5-112175806-C-A.
Other names: c.4515C>A, p.Ser1505Arg (NM_001127510.3, NM_001354895.2, NM_001407450.1); c.4461C>A, p.Ser1487Arg (NM_001127511.3); c.4569C>A, p.Ser1523Arg (NM_001354896.2, NM_001407447.1, NM_001407448.1 and 1 more transcripts); c.4545C>A, p.Ser1515Arg (NM_001354897.2); c.4440C>A, p.Ser1480Arg (NM_001354898.2); c.4431C>A, p.Ser1477Arg (NM_001354899.2); c.4392C>A, p.Ser1464Arg (NM_001354900.2); c.4338C>A, p.Ser1446Arg (NM_001354901.2, NM_001407453.1); and 11 more; short protein forms S1121R, S1222R, S1345R, S1376R, S1379R, S1404R, S1414R, S1422R.
Identifiers: ClinVar variation 3230519 (VCV003230519.3), dbSNP rs1217842024, ClinGen allele CA16031211.
Genomic context (GRCh38, chr5:112,840,109, plus strand): 5'-TGATACTTTATTACATTTTGCCACGGAAAGTACTCCAGATGGATTTTCTTGTTCATCCAG[C>A]CTGAGTGCTCTGAGCCTCGATGAGCCATTTATACAGAAAGATGTGGAATTAAGAATAATG-3'
Protein context (NP_000029.2, residues 1495-1515): STPDGFSCSS[Ser1505Arg]LSALSLDEPF

ClinVar aggregate classification (germline): Uncertain significance. Review status: criteria provided, multiple submitters, no conflicts (2 of 4 stars). 2 submissions from 2 submitters: Uncertain significance (2). Last evaluated 2024-11-27.

Conditions:
Familial adenomatous polyposis 1 (FAP1). Also called: POLYPOSIS, ADENOMATOUS INTESTINAL; FAMILIAL ADENOMATOUS POLYPOSIS 1, ATTENUATED. Identifiers: MedGen C2713442, MONDO:0021056, OMIM 175100. Disease mechanism: loss of function.
Hereditary cancer-predisposing syndrome. Also called: Neoplastic Syndromes, Hereditary; Tumor predisposition; Hereditary neoplastic syndrome; Hereditary Cancer Syndrome. Identifiers: Orphanet 140162, MedGen C0027672, MeSH D009386, MONDO:0015356.

Submissions (2):

Labcorp Genetics (formerly Invitae), Labcorp
Classification: Uncertain significance for Familial adenomatous polyposis 1. Last evaluated: 2024-11-27. Review status: criteria provided, single submitter. Criteria: Invitae Variant Classification Sherloc (09022015). Collection method: clinical testing. Allele origin: germline.
Comment: This sequence change replaces serine, which is neutral and polar, with arginine, which is basic and polar, at codon 1505 of the APC protein (p.Ser1505Arg). This variant is not present in population databases (gnomAD no frequency). This variant has not been reported in the literature in individuals affected with APC-related conditions. ClinVar contains an entry for this variant (Variation ID: 3230519). Invitae Evidence Modeling of protein sequence and biophysical properties (such as structural, functional, and spatial information, amino acid conservation, physicochemical variation, residue mobility, and thermodynamic stability) indicates that this missense variant is not expected to disrupt APC protein function with a negative predictive value of 95%. In summary, the available evidence is currently insufficient to determine the role of this variant in disease. Therefore, it has been classified as a Variant of Uncertain Significance.

Ambry Genetics
Classification: Uncertain significance for Hereditary cancer-predisposing syndrome. Last evaluated: 2024-02-16. Review status: criteria provided, single submitter. Criteria: Ambry Variant Classification Scheme 2023. Collection method: clinical testing. Allele origin: germline.
Comment: The p.S1505R variant (also known as c.4515C>A), located in coding exon 15 of the APC gene, results from a C to A substitution at nucleotide position 4515. The serine at codon 1505 is replaced by arginine, an amino acid with dissimilar properties. This amino acid position is highly conserved in available vertebrate species. In addition, in silico predictors for this gene do not accurately predict pathogenicity. Based on the available evidence, the clinical significance of this alteration remains unclear.